The following is an entry in ClinVar:

ClinVar aggregate classification (germline): Uncertain significance. Review status: criteria provided, single submitter (1 of 4 stars). 2 submissions from 2 submitters: Uncertain significance (1). 1 of the submissions does not count toward it. Last evaluated 2021-09-09.

Conditions:
Nemaline myopathy 2 (NEM2). Also called: Nemaline myopathy 2, autosomal recessive. Identifiers: MedGen C1850569, MONDO:0009725, OMIM 256030.

Allele frequency attached by ClinVar (database versions not stated): gnomAD 0.00001; TOPMed 0.00001; gnomAD exomes 0.00002; ExAC 0.00003.
gnomAD v4.1: 24 of 1,566,618 alleles (0.0015%); highest among the groups gnomAD compares: Non-Finnish European, 0.002%; no homozygotes.

Submissions (2):

Labcorp Genetics (formerly Invitae), Labcorp
Classification: Uncertain significance for Nemaline myopathy 2. Last evaluated: 2021-09-09. Review status: criteria provided, single submitter. Criteria: Invitae Variant Classification Sherloc (09022015). Collection method: clinical testing. Allele origin: germline.
Comment: This sequence change replaces histidine with aspartic acid at codon 6237 of the NEB protein (p.His6237Asp). The histidine residue is weakly conserved and there is a moderate physicochemical difference between histidine and aspartic acid. This variant is present in population databases (rs750141196, ExAC 0.005%). This variant has not been reported in the literature in individuals affected with NEB-related conditions. Algorithms developed to predict the effect of missense changes on protein structure and function output the following: SIFT: "Tolerated"; PolyPhen-2: "Not Available"; Align-GVGD: "Class C0". The aspartic acid amino acid residue is found in multiple mammalian species, which suggests that this missense change does not adversely affect protein function. In summary, the available evidence is currently insufficient to determine the role of this variant in disease. Therefore, it has been classified as a Variant of Uncertain Significance.

Natera, Inc.
Classification: Uncertain significance for Nemaline myopathy type 2. Last evaluated: 2020-09-16. Review status: no assertion criteria provided. Collection method: clinical testing. Allele origin: germline. Not counted in ClinVar's aggregate classification.

NM_001164508.2(NEB):c.18709C>G (p.His6237Asp)

Gene: NEB (nebulin; minus strand). Cytogenetic location: 2q23.3.
Variant type: single nucleotide variant.
Coding change: c.18709C>G on transcript NM_001164508.2 (MANE Select); coding-DNA position 18709, C replaced by G.
Protein change: p.His6237Asp; replaces histidine 6237 with aspartic acid.
Molecular consequence: missense variant.
Genome position (GRCh38, 1-based): chr2:151,562,793, G>C on the plus strand (C>G on the coding strand, the complement: NEB is on the minus strand). VCF-style: chr2-151562793-G-C. GRCh37 (hg19) VCF-style: chr2-152419307-G-C.
Other names: c.18709C>G, p.His6237Asp (NM_001164507.2, NM_001271208.2); c.13606C>G, p.His4536Asp (NM_004543.5); short protein forms H6237D, H4536D.
Identifiers: ClinVar variation 851257 (VCV000851257.6), dbSNP rs750141196, ClinGen allele CA1907867.
Genomic context (GRCh38, chr2:151,562,793, plus strand): 5'-CCAGCACGTGATTCATCATGTCATTGGGGATATGAACATTTGCTTTGGTATCCTCATAAT[G>C]TTTTCTGTAGTTCAACTAATATGTTTTAAAGACAAAAATAAGAAAGGGGTTTAAATGTAA-3'
Protein context (NP_001157980.2, residues 6227-6247): KMRSALNYRK[His6237Asp]YEDTKANVHI